The following is an entry in ClinVar:

NM_018474.6(KIZ):c.958G>T (p.Val320Phe)

Gene: KIZ (kizuna centrosomal protein; plus strand). Cytogenetic location: 20p11.23.
Variant type: single nucleotide variant.
Coding change: c.958G>T on transcript NM_018474.6 (MANE Select); coding-DNA position 958, G replaced by T.
Protein change: p.Val320Phe; replaces valine 320 with phenylalanine.
Molecular consequence: missense variant.
Genome position (GRCh38, 1-based): chr20:21,162,423, G>T. VCF-style: chr20-21162423-G-T. GRCh37 (hg19) VCF-style: chr20-21143064-G-T.
Other names: c.649G>T, p.Val217Phe (NM_001163022.3, NM_001352435.2); c.559G>T, p.Val187Phe (NM_001163023.3); c.811G>T, p.Val271Phe (NM_001276389.2); c.958G>T, p.Val320Phe (NM_001352434.2); c.616G>T, p.Val206Phe (NM_001352436.2); short protein forms V271F, V206F, V187F, V217F, V320F.
Identifiers: ClinVar variation 1915952 (VCV001915952.5), dbSNP rs972718508, ClinGen allele CA312979723.
Genomic context (GRCh38, chr20:21,162,423, plus strand): 5'-GAGGGAGAAATACTGACACGGGAACATATTGAAGTTGAGGAAAAAAGAGCCAGCCCGCCA[G>T]TCTCTCCGATACCAGTTTCAGAATACTGTGAATCTGAAAATAAGTGGTCTCAAGAGAAGC-3'
Protein context (NP_060944.3, residues 310-330): EVEEKRASPP[Val320Phe]SPIPVSEYCE

ClinVar aggregate classification (germline): Uncertain significance (1 of 4 stars; one submission).

Allele frequency attached by ClinVar (database versions not stated): TOPMed 0.00001; gnomAD 0.00002.
gnomAD v4.1: 8 of 1,613,296 alleles (0.0005%); highest among the groups gnomAD compares: African/African-American, 0.0053%; no homozygotes.

Submission:

Labcorp Genetics (formerly Invitae), Labcorp
Classification: Uncertain significance. Last evaluated: 2023-08-04. Review status: criteria provided, single submitter. Criteria: Invitae Variant Classification Sherloc (09022015). Collection method: clinical testing. Allele origin: germline.
Comment: In summary, the available evidence is currently insufficient to determine the role of this variant in disease. Therefore, it has been classified as a Variant of Uncertain Significance. Experimental studies and prediction algorithms are not available or were not evaluated, and the functional significance of this variant is currently unknown. ClinVar contains an entry for this variant (Variation ID: 1915952). This variant has not been reported in the literature in individuals affected with KIZ-related conditions. This variant is present in population databases (no rsID available, gnomAD 0.01%). This sequence change replaces valine, which is neutral and non-polar, with phenylalanine, which is neutral and non-polar, at codon 320 of the KIZ protein (p.Val320Phe).